The following is an entry in ClinVar:

ClinVar aggregate classification (germline): Likely pathogenic (1 of 4 stars; one submission).

Conditions:
Hearing impairment. Also called: Impaired Hearing. Identifiers: MedGen C1384666, MONDO:0005365, HP:0000365.

Submission:

Clinical Genetics Laboratory, Skane University Hospital Lund
Classification: Likely pathogenic for Hearing impairment. Last evaluated: 2024-12-05. Review status: criteria provided, single submitter. Criteria: ACMG Guidelines, 2015. Collection method: clinical testing. Allele origin: germline. Affected: yes.
Comment: ACMG criteria used: PVS1, PM2

NM_006735.4(HOXA2):c.251del (p.Pro84fs)

Gene: HOXA2 (homeobox A2; minus strand). Cytogenetic location: 7p15.2.
Variant type: Deletion.
Coding change: c.251del on transcript NM_006735.4 (MANE Select); coding-DNA position 251, one base deleted (C; older notation c.251delC).
Protein change: p.Pro84fs; shifts the reading frame from proline 84.
Molecular consequence: frameshift variant.
Genome position (GRCh38, 1-based): chr7:27,102,250, G deleted on the plus strand (C on the coding strand, the reverse complement: HOXA2 is on the minus strand); the first of 3 consecutive G bases (chr7:27,102,250-27,102,252); deleting any one gives the same sequence. VCF-style (leftmost placement, unchanged base first): chr7-27102249-CG-C. GRCh37 (hg19) VCF-style: chr7-27141868-CG-C.
Other names: short protein forms P84fs.
Identifiers: ClinVar variation 3769652 (VCV003769652.1).